The following is an entry in ClinVar:

NM_138713.4(NFAT5):c.3810GCAGCAGCAACA[1] (p.Gln1277_Gln1284del)

Gene: NFAT5 (nuclear factor of activated T cells 5; plus strand). Cytogenetic location: 16q22.1.
Variant type: Microsatellite.
Coding change: c.3810GCAGCAGCAACA[1] on transcript NM_138713.4 (MANE Select); one copy of the 12-base unit GCAGCAGCAACA starting at c.3810; the reference has three copies in a row; two copies, 24 bases deleted.
Protein change: p.Gln1277_Gln1284del.
Molecular consequence: inframe deletion.
Genome position (GRCh38, 1-based): chr16:69,693,647-69,693,670, GCAGCAGCAACAGCAGCAGCAACA deleted; deleting any 24 consecutive bases within chr16:69,693,633-69,693,670 gives the same sequence; the position shown is the placement nearest the transcript's 3' end. VCF-style (leftmost placement, unchanged base first): chr16-69693632-GCAGCAGCAGCAACAGCAGCAGCAA-G. GRCh37 (hg19) VCF-style: chr16-69727535-GCAGCAGCAGCAACAGCAGCAGCAA-G.
Other names: c.3807GCAGCAGCAACA[1], p.Gln1276_Gln1283del (NM_001113178.3); c.3135GCAGCAGCAACA[1], p.Gln1052_Gln1059del (NM_001367709.1); c.3756GCAGCAGCAACA[1], p.Gln1259_Gln1266del (NM_006599.4); c.3528GCAGCAGCAACA[1], p.Gln1183_Gln1190del (NM_138714.4, NM_173214.3, NM_173215.3).
Identifiers: ClinVar variation 1430641 (VCV001430641.8), dbSNP rs747731827, ClinGen allele CA8135958.

ClinVar aggregate classification (germline): Uncertain significance (1 of 4 stars; one submission).

Conditions:
Immunodeficiency. Identifiers: MedGen C0021051, MONDO:0021094, HP:0002721.

Submission:

Labcorp Genetics (formerly Invitae), Labcorp
Classification: Uncertain significance for Immunodeficiency. Last evaluated: 2025-01-13. Review status: criteria provided, single submitter. Criteria: Invitae Variant Classification Sherloc (09022015). Collection method: clinical testing. Allele origin: germline.
Comment: This variant, c.3540_3563del, results in the deletion of 8 amino acid(s) of the NFAT5 protein (p.Gln1183_Gln1190del), but otherwise preserves the integrity of the reading frame. The frequency data for this variant in the population databases is considered unreliable, as metrics indicate poor data quality at this position in the gnomAD database. This variant has not been reported in the literature in individuals affected with NFAT5-related conditions. Experimental studies and prediction algorithms are not available or were not evaluated, and the functional significance of this variant is currently unknown. In summary, the available evidence is currently insufficient to determine the role of this variant in disease. Therefore, it has been classified as a Variant of Uncertain Significance.